The following is an entry in ClinVar:

NM_018139.3(DNAAF2):c.399dup (p.Arg134fs)

Gene: DNAAF2 (dynein axonemal assembly factor 2; minus strand). Cytogenetic location: 14q21.3.
Variant type: Duplication.
Coding change: c.399dup on transcript NM_018139.3 (MANE Select); coding-DNA position 399, one base duplicated (G; older notation c.399dupG).
Protein change: p.Arg134fs; shifts the reading frame from arginine 134.
Molecular consequence: frameshift variant.
Genome position (GRCh38, 1-based): chr14:49,634,751, C duplicated on the plus strand (G on the coding strand, the reverse complement: DNAAF2 is on the minus strand); the first of 4 consecutive C bases (chr14:49,634,751-49,634,754); duplicating any one gives the same sequence. VCF-style (leftmost placement, unchanged base first): chr14-49634750-G-GC. GRCh37 (hg19) VCF-style: chr14-50101468-G-GC.
Other names: c.399dup, p.Arg134fs (NM_001083908.2); short protein forms R134fs.
Identifiers: ClinVar variation 3714513 (VCV003714513.2).

ClinVar aggregate classification (germline): Pathogenic (1 of 4 stars; one submission).

Conditions:
Primary ciliary dyskinesia. Also called: Ciliary dyskinesia. Identifiers: Orphanet 244, MedGen C0008780, MONDO:0016575, HP:0012265.

Submission:

Labcorp Genetics (formerly Invitae), Labcorp
Classification: Pathogenic for Primary ciliary dyskinesia. Last evaluated: 2024-01-24. Review status: criteria provided, single submitter. Criteria: Invitae Variant Classification Sherloc (09022015). Collection method: clinical testing. Allele origin: germline.
Comment: This sequence change creates a premature translational stop signal (p.Arg134Alafs*60) in the DNAAF2 gene. It is expected to result in an absent or disrupted protein product. Loss-of-function variants in DNAAF2 are known to be pathogenic (PMID: 19052621, 24498942). This variant is not present in population databases (gnomAD no frequency). This variant has not been reported in the literature in individuals affected with DNAAF2-related conditions. For these reasons, this variant has been classified as Pathogenic.

Literature cited by the submitters: PubMed 19052621; PubMed 24498942.